The following is an entry in ClinVar:

NM_001382391.1(CSPP1):c.3437T>C (p.Leu1146Pro)

Genes: ARFGEF1 (ARF guanine nucleotide exchange factor 1; minus strand), CSPP1 (centrosome and spindle pole associated protein 1; plus strand). Cytogenetic location: 8q13.2.
Variant type: single nucleotide variant.
Coding change: c.3437T>C on transcript NM_001382391.1 (MANE Select); coding-DNA position 3437, T replaced by C.
Protein change: p.Leu1146Pro; replaces leucine 1146 with proline.
Molecular consequence: missense variant. On other transcripts: intron variant (3).
Genome position (GRCh38, 1-based): chr8:67,193,570, T>C. VCF-style: chr8-67193570-T-C. GRCh37 (hg19) VCF-style: chr8-68105805-T-C.
Other names: c.2387T>C, p.Leu796Pro (NM_001291339.2); c.3356T>C, p.Leu1119Pro (NM_001363131.2); c.3242T>C, p.Leu1081Pro (NM_001363132.2); c.3161T>C, p.Leu1054Pro (NM_001363133.2); c.3503T>C, p.Leu1168Pro (NM_001364869.1); c.3323T>C, p.Leu1108Pro (NM_001364870.1); c.3269T>C, p.Leu1090Pro (NM_001438330.1); c.2738T>C, p.Leu913Pro (NM_001438332.1); and 4 more; short protein forms L1054P, L1081P, L1108P, L1119P, L1141P, L1146P, L1168P, L796P.
Identifiers: ClinVar variation 1714015 (VCV001714015.5), dbSNP rs1837026330, ClinGen allele CA371203195.

ClinVar aggregate classification (germline): Uncertain significance (1 of 4 stars; one submission).

Conditions:
Joubert syndrome 21 (JBTS21). Identifiers: MedGen C3810212, MONDO:0014288, OMIM 615636.

Submission:

Labcorp Genetics (formerly Invitae), Labcorp
Classification: Uncertain significance for Joubert syndrome 21. Last evaluated: 2022-07-27. Review status: criteria provided, single submitter. Criteria: Invitae Variant Classification Sherloc (09022015). Collection method: clinical testing. Allele origin: germline.
Comment: This sequence change replaces leucine, which is neutral and non-polar, with proline, which is neutral and non-polar, at codon 1141 of the CSPP1 protein (p.Leu1141Pro). This variant is not present in population databases (gnomAD no frequency). This variant has not been reported in the literature in individuals affected with CSPP1-related conditions. Algorithms developed to predict the effect of missense changes on protein structure and function are either unavailable or do not agree on the potential impact of this missense change (SIFT: "Deleterious"; PolyPhen-2: "Probably Damaging"; Align-GVGD: "Class C0"). In summary, the available evidence is currently insufficient to determine the role of this variant in disease. Therefore, it has been classified as a Variant of Uncertain Significance.